The following is an entry in ClinVar:

NM_017802.4(DNAAF5):c.595+1G>C

Genes: DNAAF5 (dynein axonemal assembly factor 5; plus strand), PRKAR1B (protein kinase cAMP-dependent type I regulatory subunit beta; minus strand). Cytogenetic location: 7p22.3.
Variant type: single nucleotide variant.
Coding change: c.595+1G>C on transcript NM_017802.4 (MANE Select); the canonical splice donor site of the intron after coding-DNA position 595, G replaced by C.
Molecular consequence: splice donor variant. On other transcripts: intron variant (2).
Genome position (GRCh38, 1-based): chr7:727,316, G>C. VCF-style: chr7-727316-G-C. GRCh37 (hg19) VCF-style: chr7-766953-G-C.
Other names: c.-23+339C>G (NM_001164759.1); c.-23+274C>G (NM_001164758.2).
Identifiers: ClinVar variation 3650000 (VCV003650000.2).

ClinVar aggregate classification (germline): Likely pathogenic (1 of 4 stars; one submission).

Conditions:
Primary ciliary dyskinesia. Also called: Ciliary dyskinesia. Identifiers: Orphanet 244, MedGen C0008780, MONDO:0016575, HP:0012265.

Submission:

Labcorp Genetics (formerly Invitae), Labcorp
Classification: Likely pathogenic for Primary ciliary dyskinesia. Last evaluated: 2024-04-15. Review status: criteria provided, single submitter. Criteria: Invitae Variant Classification Sherloc (09022015). Collection method: clinical testing. Allele origin: germline.
Comment: This sequence change affects a donor splice site in intron 1 of the DNAAF5 gene. It is expected to disrupt RNA splicing. Variants that disrupt the donor or acceptor splice site typically lead to a loss of protein function (PMID: 16199547), and loss-of-function variants in DNAAF5 are known to be pathogenic (PMID: 24307375, 25232951). The frequency data for this variant in the population databases is considered unreliable, as metrics indicate insufficient coverage at this position in the gnomAD database. This variant has not been reported in the literature in individuals affected with DNAAF5-related conditions. Algorithms developed to predict the effect of sequence changes on RNA splicing suggest that this variant may disrupt the consensus splice site. In summary, the currently available evidence indicates that the variant is pathogenic, but additional data are needed to prove that conclusively. Therefore, this variant has been classified as Likely Pathogenic.

Literature cited by the submitters: PubMed 16199547; PubMed 24307375; PubMed 25232951.